The following is an entry in ClinVar:

ClinVar aggregate classification (germline): Pathogenic/Likely pathogenic. Review status: criteria provided, multiple submitters, no conflicts (2 of 4 stars). 12 submissions from 12 submitters: Pathogenic (1); Likely pathogenic (8). 3 of the submissions do not count toward it. Last evaluated 2026-08-04.

Conditions:
Noonan syndrome 2 (NS2). Identifiers: Orphanet 648, MedGen C1854469, MONDO:0011531, OMIM 605275.
Hereditary cancer-predisposing syndrome. Also called: Hereditary Cancer Syndrome; Tumor predisposition; Hereditary neoplastic syndrome; Neoplastic Syndromes, Hereditary. Identifiers: Orphanet 140162, MedGen C0027672, MeSH D009386, MONDO:0015356.
Cardiovascular phenotype. Identifiers: MedGen CN230736.
LZTR1-related disorder. Also called: LZTR1-related disorders; LZTR1-related condition.
Noonan syndrome 10 (NS10). Identifiers: Orphanet 648, MedGen C4225280, MONDO:0014693, OMIM 616564.
LZTR1-related schwannomatosis. Also called: Schwannomatosis-2, susceptibility to; Schwannomatosis 2. Identifiers: Orphanet 93921, MedGen C3810283, MONDO:0014299, OMIM 615670.

Allele frequency attached by ClinVar (database versions not stated): TOPMed 0.00008; ESP Exome Variant Server 0.00015; gnomAD 0.00004 and 0.00005; gnomAD exomes 0.00006; ExAC 0.00007.

Submissions (12):

PreventionGenetics, part of Exact Sciences
Classification: Likely pathogenic for LZTR1-related condition. Last evaluated: 2026-08-04. Review status: criteria provided, single submitter. Criteria: ACMG Guidelines, 2015. Collection method: clinical testing. Allele origin: germline.
Comment: The LZTR1 c.2387T>C variant is predicted to result in the amino acid substitution p.Ile796Thr. This variant has been reported in the compound heterozygous state along with a truncating variant in three siblings with pulmonary stenosis, ventricular septal defect, and biventricular cardiac hypertrophy (Nakagama et al. 2020. PubMed ID: 31883238). This variant has also been detected in a cohort of individuals with unexplained cardiac arrest (Table S5, Grondin et al. 2022. PubMed ID: 35352813). This variant is reported in 0.011% of alleles in individuals of Latino descent in gnomAD and has conflicting interpretations regarding its pathogenicity in ClinVar, ranging from uncertain to likely pathogenic (Variation ID: 423930). At this time, we classify this variant as likely pathogenic.

Labcorp Genetics (formerly Invitae), Labcorp
Classification: Likely pathogenic. Last evaluated: 2026-02-03. Review status: criteria provided, single submitter. Criteria: Invitae Variant Classification Sherloc (09022015). Collection method: clinical testing. Allele origin: germline.
Comment: This sequence change replaces isoleucine, which is neutral and non-polar, with threonine, which is neutral and polar, at codon 796 of the LZTR1 protein (p.Ile796Thr). This variant is present in population databases (rs141672122, gnomAD 0.01%). This missense change has been observed in individual(s) with clinical features of LZTR1-related conditions (PMID: 31883238, 35352813; Hakim et al. 2022. Revue Tunisienne de Cardiologie. Vol 18., external communication, internal data). In at least one individual the data is consistent with being in trans (on the opposite chromosome) from a pathogenic variant. ClinVar contains an entry for this variant (Variation ID: 423930). Invitae Evidence Modeling of protein sequence and biophysical properties (such as structural, functional, and spatial information, amino acid conservation, physicochemical variation, residue mobility, and thermodynamic stability) indicates that this missense variant is not expected to disrupt LZTR1 protein function with a negative predictive value of 80%. In summary, the currently available evidence indicates that the variant is pathogenic, but additional data are needed to prove that conclusively. Therefore, this variant has been classified as Likely Pathogenic.

Dasa
Classification: Likely pathogenic. Last evaluated: 2025-08-14. Review status: criteria provided, single submitter. Criteria: DASA Assertion Criteria. Collection method: clinical testing. Allele origin: germline.
Comment: NM_006767.4(LZTR1):c.2387T>C (p.Ile796Thr) is a missense variant that results in the substitution of isoleucine with threonine. This variant has been reported in individuals with LZTR1-related disorders (PMID: 31883238). Also, this variant is rare in population databases. Computational evidence supports a deleterious effect. Based on the currently available evidence, this variant is classified as likely pathogenic.

Ambry Genetics
Classification: Likely pathogenic for Cardiovascular phenotype; Hereditary cancer-predisposing syndrome. Last evaluated: 2025-05-27. Review status: criteria provided, single submitter. Criteria: Ambry Variant Classification Scheme 2023. Collection method: clinical testing. Allele origin: germline.
Comment: The p.I796T variant (also known as c.2387T>C), located in coding exon 20 of the LZTR1 gene, results from a T to C substitution at nucleotide position 2387. The isoleucine at codon 796 is replaced by threonine, an amino acid with similar properties. This variant has been identified with another LZTR1 pathogenic mutation in siblings with cardiac features of Noonan syndrome (Nakagama Y et al. Mol Genet Genomic Med, 2020 03;8:e1107), as well as additional individuals with a phenotype consistent with Noonan syndrome who were tested at another laboratory (personal communication). This amino acid position is highly conserved in available vertebrate species. In addition, this alteration is predicted to be deleterious by in silico analysis. Based on the supporting evidence, this variant is likely pathogenic for autosomal recessive Noonan syndrome when present along with a second pathogenic variant on the other allele. This variant is also likely to cause an increased risk of LZTR1-related schwannomatosis (SWN); however, direct evidence is unavailable. The association of this alteration with autosomal dominant Noonan syndrome is unlikely.

Women's Health and Genetics/Laboratory Corporation of America, LabCorp
Classification: Likely pathogenic for Noonan syndrome 2. Last evaluated: 2025-04-04. Review status: criteria provided, single submitter. Criteria: LabCorp Variant Classification Summary - May 2015. Collection method: clinical testing. Allele origin: germline.
Comment: Variant summary: LZTR1 c.2387T>C (p.Ile796Thr) results in a non-conservative amino acid change in the encoded protein sequence. Three of four in-silico tools predict a damaging effect of the variant on protein function. The variant allele was found at a frequency of 6.4e-05 in 251004 control chromosomes. This frequency is not significantly higher than estimated for a pathogenic variant in LZTR1 causing Noonan Syndrome 2 (6.4e-05 vs 0.0032), allowing no conclusion about variant significance. c.2387T>C has been reported in the presumed or confirmed compound heterozygous state in the literature in multiple individuals affected with clinical features of autosomal recessive Noonan Syndrome 2 (example, Nakagama_2022, Hakim_2022, Labcorp Genetics (formerly Invitae)). These data indicate that the variant may be associated with autosomal recessive Noonan syndrome but due to prevalence in the gnomAD database an association with autosomal dominant Noonan syndrome is unlikely. To our knowledge, no experimental evidence demonstrating an impact on protein function has been reported. The following publications have been ascertained in the context of this evaluation (PMID: 31475041, 35352813, 31883238). ClinVar contains an entry for this variant (Variation ID: 423930). While this variant has been reported in the literature, the clinical significance of the variant for autosomal dominant LZTR1-related conditions could not be established. Based on the evidence outlined above, this variant is likely pathogenic for autosomal recessive Noonan syndrome.

St. Jude Molecular Pathology, St. Jude Children's Research Hospital
Classification: Likely pathogenic for Noonan syndrome 10. Last evaluated: 2025-02-05. Review status: criteria provided, single submitter. Criteria: St. Jude Assertion Criteria 2020. Collection method: clinical testing. Allele origin: germline.
Comment: The LZTR1 c.2387T>C p.(Ile796Thr) missense change has a maximum subpopulation frequency of 0.011% in gnomAD v2.1.1. The in silico tool REVEL predicts a deleterious effect on protein function. This variant has been reported in compound heterozygosity with p.Tyr535* in a familial case of recessively inherited congenital heart disease, where three of four siblings were affected with pulmonary stenosis, ventricular septal defect, and biventricular hypertrophy (PMID: 31883238). It has also been identified as a compound heterozygote with p.Val582Glyfs*10 in an individual with hypertrophic cardiomyopathy and severe mitral valve disease, without typical features of Noonan syndrome (Hakim et al.), and in another individual with longitudinally extensive mitral annular disjunction (PMID: 37399314). Additionally, personal communication with GeneDx revealed five more individuals with features consistent with Noonan syndrome or Noonan-like syndrome (SCV000573694.12). In summary, this variant meets criteria to be classified as likely pathogenic.

GeneDx
Classification: Likely pathogenic. Last evaluated: 2024-12-02. Review status: criteria provided, single submitter. Criteria: GeneDx Variant Classification Process June 2021. Collection method: clinical testing. Allele origin: germline. Affected: yes.
Comment: Identified in a patient with prenatal-onset HCM, dysplastic mitral valve, and mild facial dysmorphism who also has an LZTR1 frameshift variant (Hakim K et al. (2022) Revue Tunisienne de Cardiologie. 18); In silico analysis supports that this missense variant has a deleterious effect on protein structure/function; This variant is associated with the following publications: (PMID: 26901136, 24362817, 31883238, 35352813, Hakim2022[article])

Blueprint Genetics
Classification: Pathogenic for LZTR1-related disorders. Last evaluated: 2024-04-25. Review status: criteria provided, single submitter. Criteria: ACMG Guidelines, 2015. Collection method: clinical testing. Allele origin: germline. Affected: yes. Observed: 5 variant alleles.

Department of Pediatrics, The University of Tokyo
Classification: Likely pathogenic for Noonan syndrome 2. Last evaluated: 2021-05-27. Review status: criteria provided, single submitter. Criteria: ACMG Guidelines, 2015. Collection method: clinical testing. Allele origin: inherited. Affected: yes. Observed: 1 compound heterozygote. Segregation with disease observed.

Department of Pathology and Laboratory Medicine, Sinai Health System
Classification: Uncertain significance for Noonan syndrome 2; LZTR1-related schwannomatosis; Noonan syndrome 10. Last evaluated: 2024-07-18. Review status: flagged submission. Criteria: ACMG Guidelines, 2015. Collection method: clinical testing. Allele origin: germline. Not counted in ClinVar's aggregate classification.
ClinVar note: Reason: Outlier claim with insufficient supporting evidence

Baylor Genetics
Classification: Uncertain significance for LZTR1-related schwannomatosis. Last evaluated: 2024-03-17. Review status: flagged submission. Criteria: ACMG Guidelines, 2015. Collection method: clinical testing. Allele origin: unknown. Not counted in ClinVar's aggregate classification.
ClinVar note: Reason: Outlier claim with insufficient supporting evidence

Fulgent Genetics
Classification: Uncertain significance for Noonan syndrome 2; LZTR1-related schwannomatosis; Noonan syndrome 10. Last evaluated: 2023-12-29. Review status: flagged submission. Criteria: ACMG Guidelines, 2015. Collection method: clinical testing. Allele origin: germline. Not counted in ClinVar's aggregate classification.
ClinVar note: Reason: Outlier claim with insufficient supporting evidence

Literature cited by the submitters: PubMed 31883238 (cited by 5 submitters); PubMed 35352813 (cited by Labcorp Genetics (formerly Invitae), Labcorp and Women's Health and Genetics/Laboratory Corporation of America, LabCorp); PubMed 2022 (cited by Labcorp Genetics (formerly Invitae), Labcorp); PubMed 18 (cited by Labcorp Genetics (formerly Invitae), Labcorp); PubMed 24362817 (cited by Dasa and Department of Pathology and Laboratory Medicine, Sinai Health System); PubMed 26901136 (cited by Ambry Genetics and Department of Pathology and Laboratory Medicine, Sinai Health System); PubMed 31475041 (cited by Women's Health and Genetics/Laboratory Corporation of America, LabCorp).

NM_006767.4(LZTR1):c.2387T>C (p.Ile796Thr)

Gene: LZTR1 (leucine zipper like post translational regulator 1; plus strand). Cytogenetic location: 22q11.21.
Variant type: single nucleotide variant.
Coding change: c.2387T>C on transcript NM_006767.4 (MANE Select); coding-DNA position 2387, T replaced by C.
Protein change: p.Ile796Thr; replaces isoleucine 796 with threonine.
Molecular consequence: missense variant.
Genome position (GRCh38, 1-based): chr22:20,996,947, T>C. VCF-style: chr22-20996947-T-C. GRCh37 (hg19) VCF-style: chr22-21351236-T-C.
Other names: short protein forms I796T.
Identifiers: ClinVar variation 423930 (VCV000423930.29), dbSNP rs141672122, ClinGen allele CA10119384.